The following is an entry in ClinVar:

NM_000059.4(BRCA2):c.5487G>A (p.Leu1829=)

Gene: BRCA2 (BRCA2 DNA repair associated; plus strand). Cytogenetic location: 13q13.1.
Variant type: single nucleotide variant.
Coding change: c.5487G>A on transcript NM_000059.4 (MANE Select); coding-DNA position 5487, G replaced by A.
Protein change: p.Leu1829=; no amino-acid change (leucine 1829 retained).
Molecular consequence: synonymous variant.
Genome position (GRCh38, 1-based): chr13:32,339,842, G>A. VCF-style: chr13-32339842-G-A. GRCh37 (hg19) VCF-style: chr13-32913979-G-A.
Identifiers: ClinVar variation 427392 (VCV000427392.7), dbSNP rs779967765, ClinGen allele CA483438485.

ClinVar aggregate classification (germline): Likely benign. Review status: reviewed by expert panel (3 of 4 stars). 4 submissions from 4 submitters: Likely benign (1). 3 of the submissions do not count toward it. Last evaluated 2017-06-29.

Conditions:
Hereditary cancer-predisposing syndrome. Also called: Hereditary neoplastic syndrome; Hereditary Cancer Syndrome; Neoplastic Syndromes, Hereditary; Tumor predisposition. Identifiers: Orphanet 140162, MedGen C0027672, MeSH D009386, MONDO:0015356.
Breast-ovarian cancer, familial, susceptibility to, 2 (BROVCA2). Also called: BRCA2 Hereditary Breast and Ovarian Cancer. Identifiers: Orphanet 145, MedGen C2675520, MONDO:0012933, OMIM 612555. Disease mechanism: loss of function.
Hereditary breast ovarian cancer syndrome. Also called: Hereditary breast and ovarian cancer syndrome; BRCA1- and BRCA2-Associated Hereditary Breast and Ovarian Cancer; Hereditary breast and/or ovarian cancer syndrome; Hereditary breast and ovarian cancer; Breast and ovarian cancer; Hereditary breast and ovarian cancer syndrome (HBOC). Identifiers: Orphanet 145, MedGen C0677776, MeSH D061325, MONDO:0003582. Disease mechanism: loss of function.

Submissions (4):

Evidence-based Network for the Interpretation of Germline Mutant Alleles (ENIGMA)
Classification: Likely benign for Breast-ovarian cancer, familial, susceptibility to, 2. Last evaluated: 2017-06-29. Review status: reviewed by expert panel. Criteria: ENIGMA BRCA1/2 Classification Criteria (2017-06-29). Collection method: curation. Allele origin: germline.
Comment: Synonymous substitution variant, with low bioinformatic likelihood to result in a splicing aberration (Splicing prior probability 0.02).

Labcorp Genetics (formerly Invitae), Labcorp
Classification: Likely benign for Hereditary breast ovarian cancer syndrome. Last evaluated: 2025-03-09. Review status: criteria provided, single submitter. Criteria: Invitae Variant Classification Sherloc (09022015). Collection method: clinical testing. Allele origin: germline. Not counted in ClinVar's aggregate classification.

Sema4
Classification: Likely benign for Hereditary cancer-predisposing syndrome. Last evaluated: 2022-03-05. Review status: criteria provided, single submitter. Criteria: Sema4 Curation Guidelines. Collection method: curation. Allele origin: germline. Not counted in ClinVar's aggregate classification.

Ambry Genetics
Classification: Likely benign for Hereditary cancer-predisposing syndrome. Last evaluated: 2021-04-22. Review status: criteria provided, single submitter. Criteria: Ambry Variant Classification Scheme 2023. Collection method: clinical testing. Allele origin: germline. Not counted in ClinVar's aggregate classification.